The following is an entry in ClinVar:

NC_000005.10:g.112707441G>C

Gene: APC (APC regulator of Wnt signaling pathway; plus strand). Cytogenetic location: 5q22.2.
Variant type: single nucleotide variant.
Genome position: GRCh38 VCF-style: chr5-112707441-G-C. GRCh37 (hg19) VCF-style: chr5-112043138-G-C.
Identifiers: ClinVar variation 3704727 (VCV003704727.2).

ClinVar aggregate classification (germline): Uncertain significance (1 of 4 stars; one submission).

Conditions:
Familial adenomatous polyposis 1 (FAP1). Also called: POLYPOSIS, ADENOMATOUS INTESTINAL; FAMILIAL ADENOMATOUS POLYPOSIS 1, ATTENUATED. Identifiers: MedGen C2713442, MONDO:0021056, OMIM 175100. Disease mechanism: loss of function.

Submission:

Labcorp Genetics (formerly Invitae), Labcorp
Classification: Uncertain significance for Familial adenomatous polyposis 1. Last evaluated: 2025-12-17. Review status: criteria provided, single submitter. Criteria: Invitae Variant Classification Sherloc (09022015). Collection method: clinical testing. Allele origin: germline.
Comment: This variant occurs in a non-coding region of the APC gene. It does not change the encoded amino acid sequence of the APC protein. This variant is not present in population databases (gnomAD no frequency). This variant has not been reported in the literature in individuals affected with APC-related conditions. In summary, the available evidence is currently insufficient to determine the role of this variant in disease. Therefore, it has been classified as a Variant of Uncertain Significance.